The following is an entry in ClinVar:

ClinVar aggregate classification (germline): Conflicting classifications of pathogenicity. Review status: criteria provided, conflicting classifications (1 of 4 stars). 2 submissions from 2 submitters: Uncertain significance (1); Likely benign (1). Last evaluated 2023-12-25.

Conditions:
Baraitser-winter syndrome 2. Identifiers: Orphanet 2995, MedGen C3281235, MONDO:0013812, OMIM 614583.
Autosomal dominant nonsyndromic hearing loss 20. Identifiers: Orphanet 90635, MedGen C1858172, MONDO:0011480, OMIM 604717.

Allele frequency attached by ClinVar (database versions not stated): ExAC 0.00002; ESP Exome Variant Server 0.00023.
gnomAD v4.1: 7 of 1,613,852 alleles (0.00043%); highest among the groups gnomAD compares: African/African-American, 0.008%; no homozygotes.

Submissions (2):

Labcorp Genetics (formerly Invitae), Labcorp
Classification: Likely benign for Baraitser-winter syndrome 2; Autosomal dominant nonsyndromic hearing loss 20. Last evaluated: 2023-12-25. Review status: criteria provided, single submitter. Criteria: Invitae Variant Classification Sherloc (09022015). Collection method: clinical testing. Allele origin: germline.

GeneDx
Classification: Uncertain significance. Last evaluated: 2022-07-01. Review status: criteria provided, single submitter. Criteria: GeneDx Variant Classification Process June 2021. Collection method: clinical testing. Allele origin: germline. Affected: yes.
Comment: In silico analysis supports that this variant does not alter splicing; Has not been previously published as pathogenic or benign to our knowledge

NM_001614.5(ACTG1):c.192C>A (p.Ile64=)

Gene: ACTG1 (actin gamma 1; minus strand). Cytogenetic location: 17q25.3.
Variant type: single nucleotide variant.
Coding change: c.192C>A on transcript NM_001614.5 (MANE Select); coding-DNA position 192, C replaced by A.
Protein change: p.Ile64=; no amino-acid change (isoleucine 64 retained).
Molecular consequence: synonymous variant. On other transcripts: non-coding transcript variant (1).
Genome position (GRCh38, 1-based): chr17:81,512,074, G>T on the plus strand (C>A on the coding strand, the complement: ACTG1 is on the minus strand). VCF-style: chr17-81512074-G-T. GRCh37 (hg19) VCF-style: chr17-79479100-G-T.
Other names: c.192C>A, p.Ile64= (NM_001199954.3).
Identifiers: ClinVar variation 1809917 (VCV001809917.6), dbSNP rs138240892, ClinGen allele CA8836322.